The following is an entry in ClinVar:

ClinVar aggregate classification (germline): Pathogenic/Likely pathogenic. Review status: criteria provided, multiple submitters, no conflicts (2 of 4 stars). 2 submissions from 2 submitters: Pathogenic (1); Likely pathogenic (1). Last evaluated 2024-08-13.

Conditions:
Nemaline myopathy 2 (NEM2). Also called: Nemaline myopathy 2, autosomal recessive. Identifiers: MedGen C1850569, MONDO:0009725, OMIM 256030.

Submissions (2):

Natera, Inc.
Classification: Likely pathogenic for Nemaline myopathy type 2. Last evaluated: 2024-08-13. Review status: criteria provided, single submitter. Criteria: Natera Variant Classification Schema (03/2026). Collection method: clinical testing. Allele origin: germline.
Comment: The c.20992dup variant in NEB is a frameshift variant predicted to shift the reading frame beginning at codon 6998 and leads to a stop codon 2 codons downstream. This variant is expected to result in nonsense mediated decay, truncation, or a dysfunctional protein product. This variant is rare in the general population with a frequency below the threshold expected for the associated phenotype(s). Given the available evidence, this variant is classified as Likely Pathogenic.

Labcorp Genetics (formerly Invitae), Labcorp
Classification: Pathogenic for Nemaline myopathy 2. Last evaluated: 2022-10-25. Review status: criteria provided, single submitter. Criteria: Invitae Variant Classification Sherloc (09022015). Collection method: clinical testing. Allele origin: germline.
Comment: This variant has not been reported in the literature in individuals affected with NEB-related conditions. For these reasons, this variant has been classified as Pathogenic. Algorithms developed to predict the effect of sequence changes on RNA splicing suggest that this variant may create or strengthen a splice site. ClinVar contains an entry for this variant (Variation ID: 1456263). This variant is not present in population databases (gnomAD no frequency). This sequence change creates a premature translational stop signal (p.Ser6998Lysfs*2) in the NEB gene. It is expected to result in an absent or disrupted protein product. Loss-of-function variants in NEB are known to be pathogenic (PMID: 25205138).

Literature cited by the submitters: PubMed 25205138 (cited by Labcorp Genetics (formerly Invitae), Labcorp).

NM_001164508.2(NEB):c.20992dup (p.Ser6998fs)

Gene: NEB (nebulin; minus strand). Cytogenetic location: 2q23.3.
Variant type: Duplication.
Coding change: c.20992dup on transcript NM_001164508.2 (MANE Select); coding-DNA position 20992, one base duplicated (A; older notation c.20992dupA).
Protein change: p.Ser6998fs; shifts the reading frame from serine 6998.
Molecular consequence: frameshift variant.
Genome position (GRCh38, 1-based): chr2:151,538,145, T duplicated on the plus strand (A on the coding strand, the reverse complement: NEB is on the minus strand). VCF-style (leftmost placement, unchanged base first): chr2-151538144-C-CT. GRCh37 (hg19) VCF-style: chr2-152394658-C-CT.
Other names: c.20992dup (NM_001271208.1); c.20992dup, p.Ser6998fs (NM_001164507.2, NM_001271208.2); c.15889dup, p.Ser5297fs (NM_004543.5); short protein forms S6998fs, S5297fs.
Identifiers: ClinVar variation 1456263 (VCV001456263.7), dbSNP rs2153553633, ClinGen allele CA2573133338.